The following is an entry in ClinVar:

NM_006416.5(SLC35A1):c.95G>A (p.Arg32Lys)

Gene: SLC35A1 (solute carrier family 35 member A1; plus strand). Cytogenetic location: 6q15.
Variant type: single nucleotide variant.
Coding change: c.95G>A on transcript NM_006416.5 (MANE Select); coding-DNA position 95, G replaced by A.
Protein change: p.Arg32Lys; replaces arginine 32 with lysine.
Molecular consequence: missense variant.
Genome position (GRCh38, 1-based): chr6:87,477,440, G>A. VCF-style: chr6-87477440-G-A. GRCh37 (hg19) VCF-style: chr6-88187158-G-A.
Other names: c.95G>A, p.Arg32Lys (NM_001168398.2); short protein forms R32K.
Identifiers: ClinVar variation 3357705 (VCV003357705.1).

ClinVar aggregate classification (germline): Uncertain significance (0 of 4 stars; one submission).

Conditions:
SLC35A1-related disorder. Also called: SLC35A1-related condition.

gnomAD v4.1: 16 of 1,613,680 alleles (0.00099%); highest among the groups gnomAD compares: Non-Finnish European, 0.0014%; no homozygotes.

Submission:

PreventionGenetics, part of Exact Sciences
Classification: Uncertain significance for SLC35A1-related condition. Last evaluated: 2024-06-27. Review status: no assertion criteria provided. Collection method: clinical testing. Allele origin: germline.
Comment: The SLC35A1 c.95G>A variant is predicted to result in the amino acid substitution p.Arg32Lys. To our knowledge, this variant has not been reported in the literature. This variant is reported in 0.0018% of alleles in individuals of European (Non-Finnish) descent in gnomAD. At this time, the clinical significance of this variant is uncertain due to the absence of conclusive functional and genetic evidence.